The following is an entry in ClinVar:

ClinVar aggregate classification (germline): Conflicting classifications of pathogenicity. Review status: criteria provided, conflicting classifications (1 of 4 stars). 4 submissions from 4 submitters: Uncertain significance (2); Likely benign (2). Last evaluated 2025-08-19.

Conditions:
Familial melanoma. Also called: Hereditary melanoma; Hereditary cutaneous melanoma. Identifiers: Orphanet 618, MedGen C1512419, MONDO:0018961.
Hereditary cancer-predisposing syndrome. Also called: Tumor predisposition; Neoplastic Syndromes, Hereditary; Hereditary neoplastic syndrome; Hereditary Cancer Syndrome. Identifiers: Orphanet 140162, MedGen C0027672, MeSH D009386, MONDO:0015356.
Melanoma-pancreatic cancer syndrome. Identifiers: Orphanet 404560, MedGen C1838547, MONDO:0011713, OMIM 606719. Disease mechanism: loss of function.

Submissions (4):

Myriad Genetics, Inc.
Classification: Likely benign for Melanoma-pancreatic cancer syndrome. Last evaluated: 2025-08-19. Review status: criteria provided, single submitter. Criteria: Myriad Autosomal Dominant, Autosomal Recessive and X-Linked Classification Criteria (2023). Collection method: clinical testing. Allele origin: unknown.
Comment: This variant is considered likely benign. This variant is intronic and is not expected to impact mRNA splicing.

Labcorp Genetics (formerly Invitae), Labcorp
Classification: Likely benign for Familial melanoma. Last evaluated: 2024-07-18. Review status: criteria provided, single submitter. Criteria: Invitae Variant Classification Sherloc (09022015). Collection method: clinical testing. Allele origin: germline.

Ambry Genetics
Classification: Uncertain significance for Hereditary cancer-predisposing syndrome. Last evaluated: 2023-06-14. Review status: criteria provided, single submitter. Criteria: Ambry Variant Classification Scheme 2023. Collection method: clinical testing. Allele origin: germline.
Comment: The c.458-4G>T intronic variant results from a G to T substitution 4 nucleotides upstream from coding exon 3 in the CDKN2A gene. This nucleotide position is well conserved in available vertebrate species. In silico splice site analysis for this alteration is inconclusive. Since supporting evidence is limited at this time, the clinical significance of this alteration remains unclear.

Color Diagnostics, LLC DBA Color Health
Classification: Uncertain significance for Hereditary cancer-predisposing syndrome. Last evaluated: 2020-03-09. Review status: criteria provided, single submitter. Criteria: ACMG Guidelines, 2015. Collection method: clinical testing. Allele origin: germline.
Comment: This variant causes a G to T nucleotide substitution at the -4 position of intron 2 of the CDKN2A (p16INK4A) gene. To our knowledge, RNA functional studies have not been reported for this variant. This variant has not been reported in individuals affected with hereditary cancer in the literature. This variant has not been identified in the general population by the Genome Aggregation Database (gnomAD). The available evidence is insufficient to determine the role of this variant in disease conclusively. Therefore, this variant is classified as a Variant of Uncertain Significance.

NM_000077.5(CDKN2A):c.458-4G>T

Gene: CDKN2A (cyclin dependent kinase inhibitor 2A; minus strand). Cytogenetic location: 9p21.3.
Variant type: single nucleotide variant.
Coding change: c.458-4G>T on transcript NM_000077.5 (MANE Select); 4 bases into the intron before coding-DNA position 458, G replaced by T.
Molecular consequence: intron variant.
Genome position (GRCh38, 1-based): chr9:21,968,246, C>A on the plus strand (G>T on the coding strand, the complement: CDKN2A is on the minus strand). VCF-style: chr9-21968246-C-A. GRCh37 (hg19) VCF-style: chr9-21968245-C-A.
Other names: c.305-4G>T (NM_001363763.2); c.*102-4G>T (NM_058195.4); c.*151-4G>T (NM_001195132.2); c.*381-4G>T (NM_058197.5).
Identifiers: ClinVar variation 926024 (VCV000926024.14), dbSNP rs876660514, ClinGen allele CA1139660894.